The following is an entry in ClinVar:

NM_007050.6(PTPRT):c.3159C>T (p.His1053=)

Gene: PTPRT (protein tyrosine phosphatase receptor type T; minus strand). Cytogenetic location: 20q12.
Variant type: single nucleotide variant.
Coding change: c.3159C>T on transcript NM_007050.6 (MANE Select); coding-DNA position 3159, C replaced by T.
Protein change: p.His1053=; no amino-acid change (histidine 1053 retained).
Molecular consequence: synonymous variant.
Genome position (GRCh38, 1-based): chr20:42,110,428, G>A on the plus strand (C>T on the coding strand, the complement: PTPRT is on the minus strand). VCF-style: chr20-42110428-G-A. GRCh37 (hg19) VCF-style: chr20-40739068-G-A.
Other names: c.3216C>T, p.His1072= (NM_133170.4).
Identifiers: ClinVar variation 727566 (VCV000727566.7), dbSNP rs111792993, ClinGen allele CA9863973.

ClinVar aggregate classification (germline): Benign. Review status: criteria provided, multiple submitters, no conflicts (2 of 4 stars). 3 submissions from 3 submitters: Benign (2). 1 of the submissions does not count toward it. Last evaluated 2019-12-31.

Conditions:
PTPRT-related disorder. Also called: PTPRT-related condition.

Allele frequency attached by ClinVar (database versions not stated): gnomAD exomes 0.00074; ExAC 0.00097; gnomAD 0.00293 and 0.00304; TOPMed 0.00333; ESP Exome Variant Server 0.00392; 1000 Genomes Project 0.00419; 1000 Genomes Project 30x 0.00453.
gnomAD v4.1: 1,032 of 1,613,020 alleles (0.064%); highest among the groups gnomAD compares: African/African-American, 1.1%; 11 homozygotes.

Submissions (3):

Labcorp Genetics (formerly Invitae), Labcorp
Classification: Benign. Last evaluated: 2019-12-31. Review status: criteria provided, single submitter. Criteria: Invitae Variant Classification Sherloc (09022015). Collection method: clinical testing. Allele origin: germline.

Breakthrough Genomics
Classification: Benign. Review status: criteria provided, single submitter. Criteria: ACMG Guidelines, 2015. Collection method: not provided. Allele origin: germline. Inheritance: Unknown mechanism. Affected: yes.

PreventionGenetics, part of Exact Sciences
Classification: Benign for PTPRT-related condition. Last evaluated: 2019-06-07. Review status: no assertion criteria provided. Collection method: clinical testing. Allele origin: germline. Not counted in ClinVar's aggregate classification.
Comment: This variant is classified as benign based on ACMG/AMP sequence variant interpretation guidelines (Richards et al. 2015 PMID: 25741868, with internal and published modifications).